The following is an entry in ClinVar:

ClinVar aggregate classification (germline): Likely benign (1 of 4 stars; one submission).

Submission:

CeGaT Center for Human Genetics Tuebingen
Classification: Likely benign. Last evaluated: 2025-12-01. Review status: criteria provided, single submitter. Criteria: CeGaT Center For Human Genetics Tuebingen Variant Classification Criteria Version 2. Collection method: clinical testing. Allele origin: germline. Affected: yes. Observed: 2 variant alleles.
Comment: PRAMEF6: BP4, BP7

NM_001010889.2(PRAMEF6):c.672T>C (p.Phe224=)

Gene: PRAMEF6 (PRAME family member 6; minus strand). Cytogenetic location: 1p36.21.
Variant type: single nucleotide variant.
Coding change: c.672T>C on transcript NM_001010889.2 (MANE Select); coding-DNA position 672, T replaced by C.
Protein change: p.Phe224=; no amino-acid change (phenylalanine 224 retained).
Molecular consequence: synonymous variant.
Genome position (GRCh38, 1-based): chr1:12,941,181, A>G on the plus strand (T>C on the coding strand, the complement: PRAMEF6 is on the minus strand). VCF-style: chr1-12941181-A-G. GRCh37 (hg19) VCF-style: chr1-13001011-A-G.
Identifiers: ClinVar variation 4533793 (VCV004533793.6).